The following is an entry in ClinVar:

ClinVar aggregate classification (germline): Pathogenic (1 of 4 stars; one submission).

Submission:

Seattle Children's Hospital Molecular Genetics Laboratory, Seattle Children's Hospital
Classification: Pathogenic. Last evaluated: 2021-09-02. Review status: criteria provided, single submitter. Criteria: ACMG Guidelines, 2015. Collection method: clinical testing. Allele origin: germline. Affected: yes.
Comment: While this deletion-insertion event appears to be novel, other pathogenic frameshift and nonsense variants in this region of TCF12 have been described in several patients with craniosynostosis, particularly coronal craniosynostosis (PMID: 23354436, PMID: 29215649). This alteration is absent from large population studies (Genome Aggregation Database v2.1.1).

NM_207037.2(TCF12):c.707_710delinsCCC (p.Asp236fs)

Gene: TCF12 (transcription factor 12; plus strand). Cytogenetic location: 15q21.3.
Variant type: Indel.
Coding change: c.707_710delinsCCC on transcript NM_207037.2 (MANE Select); coding-DNA positions 707 to 710, ACCT replaced by CCC.
Protein change: p.Asp236fs; shifts the reading frame from aspartic acid 236.
Molecular consequence: frameshift variant. On other transcripts: intron variant (1).
Genome position (GRCh38, 1-based): chr15:57,232,312-57,232,315, ACCT replaced by CCC. VCF-style: chr15-57232312-ACCT-CCC. GRCh37 (hg19) VCF-style: chr15-57524510-ACCT-CCC.
Other names: c.197_200delinsCCC, p.Asp66fs (NM_001306219.3, NM_207040.2); c.707_710delinsCCC, p.Asp236fs (NM_001322151.2, NM_001322152.2, NM_001322157.3 and 7 more transcripts); c.50_53delinsCCC, p.Asp17fs (NM_001322154.2); c.533_536delinsCCC, p.Asp178fs (NM_001322156.2, NM_001322158.2); c.743_746delinsCCC, p.Asp248fs (NM_001322164.2); c.118-400_118-397delinsCCC (NM_001306220.3); short protein forms D178fs, D17fs, D236fs, D248fs, D66fs.
Identifiers: ClinVar variation 1691343 (VCV001691343.2), dbSNP rs2151923283, ClinGen allele CA2573151011.